The following is an entry in ClinVar:

NM_201384.3(PLEC):c.1290A>C (p.Lys430Asn)

Gene: PLEC (plectin; minus strand). Cytogenetic location: 8q24.3.
Variant type: single nucleotide variant.
Coding change: c.1290A>C on transcript NM_201384.3 (MANE Select); coding-DNA position 1290, A replaced by C.
Protein change: p.Lys430Asn; replaces lysine 430 with asparagine.
Molecular consequence: missense variant.
Genome position (GRCh38, 1-based): chr8:143,933,325, T>G on the plus strand (A>C on the coding strand, the complement: PLEC is on the minus strand). VCF-style: chr8-143933325-T-G. GRCh37 (hg19) VCF-style: chr8-145007493-T-G.
Other names: c.1371A>C, p.Lys457Asn (NM_000445.5, NM_001410941.1); c.1248A>C, p.Lys416Asn (NM_201378.4); c.1224A>C, p.Lys408Asn (NM_201379.3); c.1701A>C, p.Lys567Asn (NM_201380.4); c.1194A>C, p.Lys398Asn (NM_201381.3); c.1290A>C, p.Lys430Asn (NM_201382.4); c.1302A>C, p.Lys434Asn (NM_201383.3); short protein forms K398N, K408N, K434N, K457N, K567N, K416N, K430N.
Identifiers: ClinVar variation 1996813 (VCV001996813.4), dbSNP rs2538899257, ClinGen allele CA372582600.

ClinVar aggregate classification (germline): Uncertain significance (1 of 4 stars; one submission).

Conditions:
Epidermolysis bullosa simplex 5B, with muscular dystrophy (EBS5B). Also called: Epidermolysis bullosa simplex with muscular dystrophy; EPIDERMOLYSIS BULLOSA SIMPLEX AND LIMB-GIRDLE MUSCULAR DYSTROPHY. Identifiers: Orphanet 257, MedGen C2931072, MONDO:0009181, OMIM 226670.
Epidermolysis bullosa simplex 5C, with pyloric atresia (EBS5C). Also called: PLEC-Related Epidermolysis Bullosa with Pyloric Atresia; Epidermolysis bullosa simplex with pyloric atresia; PLEC1-Related Epidermolysis Bullosa with Pyloric Atresia. Identifiers: Orphanet 158684, MedGen C2677349, MONDO:0012807, OMIM 612138.
Epidermolysis bullosa simplex with nail dystrophy (EBS5D). Identifiers: MedGen C4225309, MONDO:0014661, OMIM 616487.
Epidermolysis bullosa simplex, Ogna type (EBS5A). Also called: Pidermolysis bullosa simplex 5A, Ogna type; EPIDERMOLYSIS BULLOSA SIMPLEX 5A, OGNA TYPE. Identifiers: Orphanet 79401, MedGen C0432317, MONDO:0007555, OMIM 131950.
Autosomal recessive limb-girdle muscular dystrophy type 2Q (LGMDR17). Also called: MUSCULAR DYSTROPHY, LIMB-GIRDLE, AUTOSOMAL RECESSIVE 17. Identifiers: Orphanet 254361, MedGen C3150989, MONDO:0013390, OMIM 613723.

Allele frequency attached by ClinVar (database versions not stated): gnomAD exomes below 0.00001.
gnomAD v4.1: 3 of 1,612,384 alleles (0.00019%); highest among the groups gnomAD compares: Non-Finnish European, 0.00025%; no homozygotes.

Submission:

Labcorp Genetics (formerly Invitae), Labcorp
Classification: Uncertain significance for Autosomal recessive limb-girdle muscular dystrophy type 2Q; Epidermolysis bullosa simplex, Ogna type; Epidermolysis bullosa simplex with nail dystrophy; Epidermolysis bullosa simplex 5C, with pyloric atresia; Epidermolysis bullosa simplex 5B, with muscular dystrophy. Last evaluated: 2022-11-22. Review status: criteria provided, single submitter. Criteria: Invitae Variant Classification Sherloc (09022015). Collection method: clinical testing. Allele origin: germline.
Comment: In summary, the available evidence is currently insufficient to determine the role of this variant in disease. Therefore, it has been classified as a Variant of Uncertain Significance. Advanced modeling of protein sequence and biophysical properties (such as structural, functional, and spatial information, amino acid conservation, physicochemical variation, residue mobility, and thermodynamic stability) performed at Invitae indicates that this missense variant is expected to disrupt PLEC protein function. This variant has not been reported in the literature in individuals affected with PLEC-related conditions. This variant is not present in population databases (gnomAD no frequency). This sequence change replaces lysine, which is basic and polar, with asparagine, which is neutral and polar, at codon 457 of the PLEC protein (p.Lys457Asn).